The following is an entry in ClinVar:

ClinVar aggregate classification (germline): Uncertain significance. Review status: criteria provided, multiple submitters, no conflicts (2 of 4 stars). 2 submissions from 2 submitters: Uncertain significance (2). Last evaluated 2025-06-23.

Submissions (2):

GeneDx
Classification: Uncertain significance. Last evaluated: 2025-06-23. Review status: criteria provided, single submitter. Criteria: GeneDx Variant Classification Process June 2021. Collection method: clinical testing. Allele origin: germline. Affected: yes.
Comment: Not observed at significant frequency in large population cohorts (gnomAD); In silico analysis suggests that this missense variant does not alter protein structure/function; Has not been previously published as pathogenic or benign to our knowledge

Labcorp Genetics (formerly Invitae), Labcorp
Classification: Uncertain significance. Last evaluated: 2024-09-11. Review status: criteria provided, single submitter. Criteria: Invitae Variant Classification Sherloc (09022015). Collection method: clinical testing. Allele origin: germline.
Comment: This sequence change replaces glycine, which is neutral and non-polar, with aspartic acid, which is acidic and polar, at codon 606 of the GPAA1 protein (p.Gly606Asp). This variant is not present in population databases (gnomAD no frequency). This variant has not been reported in the literature in individuals affected with GPAA1-related conditions. Invitae Evidence Modeling of protein sequence and biophysical properties (such as structural, functional, and spatial information, amino acid conservation, physicochemical variation, residue mobility, and thermodynamic stability) indicates that this missense variant is not expected to disrupt GPAA1 protein function with a negative predictive value of 80%. In summary, the available evidence is currently insufficient to determine the role of this variant in disease. Therefore, it has been classified as a Variant of Uncertain Significance.

NM_003801.4(GPAA1):c.1817G>A (p.Gly606Asp)

Gene: GPAA1 (glycosylphosphatidylinositol anchor attachment 1; plus strand). Cytogenetic location: 8q24.3.
Variant type: single nucleotide variant.
Coding change: c.1817G>A on transcript NM_003801.4 (MANE Select); coding-DNA position 1817, G replaced by A.
Protein change: p.Gly606Asp; replaces glycine 606 with aspartic acid.
Molecular consequence: missense variant.
Genome position (GRCh38, 1-based): chr8:144,086,076, G>A. VCF-style: chr8-144086076-G-A. GRCh37 (hg19) VCF-style: chr8-145140979-G-A.
Other names: c.1817G>A (NM_003801.3); short protein forms G606D.
Identifiers: ClinVar variation 3652351 (VCV003652351.3).